The following is an entry in ClinVar:

ClinVar aggregate classification (germline): Uncertain significance (1 of 4 stars; one submission).

Submission:

Mayo Clinic Laboratories, Mayo Clinic
Classification: Uncertain significance. Last evaluated: 2023-06-02. Review status: criteria provided, single submitter. Criteria: ACMG Guidelines, 2015. Collection method: clinical testing. Allele origin: germline. Observed: 1 variant allele.
Comment: PM2

NM_000037.4(ANK1):c.2915C>A (p.Ala972Asp)

Gene: ANK1 (ankyrin 1; minus strand). Cytogenetic location: 8p11.21.
Variant type: single nucleotide variant.
Coding change: c.2915C>A on transcript NM_000037.4 (MANE Select); coding-DNA position 2915, C replaced by A.
Protein change: p.Ala972Asp; replaces alanine 972 with aspartic acid.
Molecular consequence: missense variant.
Genome position (GRCh38, 1-based): chr8:41,696,408, G>T on the plus strand (C>A on the coding strand, the complement: ANK1 is on the minus strand). VCF-style: chr8-41696408-G-T. GRCh37 (hg19) VCF-style: chr8-41553926-G-T.
Other names: p.Ala972Asp; c.3038C>A, p.Ala1013Asp (NM_001142446.2); c.2915C>A, p.Ala972Asp (NM_020475.3, NM_020476.3, NM_020477.3); short protein forms A1013D, A972D.
Identifiers: ClinVar variation 2683012 (VCV002683012.1), dbSNP rs2486783292, ClinGen allele CA371061988.